The following is an entry in ClinVar:

NM_020184.4(CNNM4):c.1012C>T (p.Arg338Trp)

Gene: CNNM4 (cyclin and CBS domain divalent metal cation transport mediator 4; plus strand). Cytogenetic location: 2q11.2.
Variant type: single nucleotide variant.
Coding change: c.1012C>T on transcript NM_020184.4 (MANE Select); coding-DNA position 1012, C replaced by T.
Protein change: p.Arg338Trp; replaces arginine 338 with tryptophan.
Molecular consequence: missense variant.
Genome position (GRCh38, 1-based): chr2:96,762,011, C>T. VCF-style: chr2-96762011-C-T. GRCh37 (hg19) VCF-style: chr2-97427748-C-T.
Other names: short protein forms R338W.
Identifiers: ClinVar variation 1956131 (VCV001956131.5), dbSNP rs146068349, ClinGen allele CA347715761.

ClinVar aggregate classification (germline): Uncertain significance (1 of 4 stars; one submission).

gnomAD v4.1: 2 of 1,613,984 alleles (0.00012%); highest among the groups gnomAD compares: Admixed American, 0.0017%; no homozygotes.

Submission:

Labcorp Genetics (formerly Invitae), Labcorp
Classification: Uncertain significance. Last evaluated: 2022-09-01. Review status: criteria provided, single submitter. Criteria: Invitae Variant Classification Sherloc (09022015). Collection method: clinical testing. Allele origin: germline.
Comment: In summary, the available evidence is currently insufficient to determine the role of this variant in disease. Therefore, it has been classified as a Variant of Uncertain Significance. Algorithms developed to predict the effect of missense changes on protein structure and function (SIFT, PolyPhen-2, Align-GVGD) all suggest that this variant is likely to be disruptive. This variant has not been reported in the literature in individuals affected with CNNM4-related conditions. This variant is not present in population databases (gnomAD no frequency). This sequence change replaces arginine, which is basic and polar, with tryptophan, which is neutral and slightly polar, at codon 338 of the CNNM4 protein (p.Arg338Trp).